The following is an entry in ClinVar:

NM_000492.4(CFTR):c.2797A>G (p.Arg933Gly)

Gene: CFTR (CF transmembrane conductance regulator; plus strand). Cytogenetic location: 7q31.2.
Variant type: single nucleotide variant.
Coding change: c.2797A>G on transcript NM_000492.4 (MANE Select); coding-DNA position 2797, A replaced by G.
Protein change: p.Arg933Gly; replaces arginine 933 with glycine.
Molecular consequence: missense variant.
Genome position (GRCh38, 1-based): chr7:117,603,671, A>G. VCF-style: chr7-117603671-A-G. GRCh37 (hg19) VCF-style: chr7-117243725-A-G.
Other names: short protein forms R933G.
Identifiers: ClinVar variation 53569 (VCV000053569.21), dbSNP rs397508436, ClinGen allele CA326927.
Genomic context (GRCh38, chr7:117,603,671, plus strand): 5'-TATTATGTGTTTTACATTTACGTGGGAGTAGCCGACACTTTGCTTGCTATGGGATTCTTC[A>G]GAGGTCTACCACTGGTGCATACTCTAATCACAGTGTCGAAAATTTTACACCACAAAATGT-3'
Protein context (NP_000483.3, residues 923-943): ADTLLAMGFF[Arg933Gly]GLPLVHTLIT

ClinVar aggregate classification (germline): Conflicting classifications of pathogenicity. Review status: criteria provided, conflicting classifications (1 of 4 stars). 10 submissions from 9 submitters: Pathogenic (1); Likely pathogenic (5); Uncertain significance (3). 1 of the submissions does not count toward it. Last evaluated 2026-04-07.

Conditions:
CFTR-related disorder (CFTR-RD). Also called: CFTR-related condition; CFTR-related disorders. Identifiers: MedGen C5924204, MONDO:7770004.
Congenital bilateral aplasia of vas deferens from CFTR mutation (CBAVD). Identifiers: Orphanet 48, MedGen C0403814, MONDO:0010178, OMIM 277180. Disease mechanism: loss of function.
Cystic fibrosis (CF). Also called: MUCOVISCIDOSIS. Identifiers: Orphanet 586, MedGen C0010674, MONDO:0009061, OMIM 219700. Disease mechanism: loss of function.

Allele frequency attached by ClinVar (database versions not stated): gnomAD 0.00001; gnomAD exomes below 0.00001; TOPMed 0.00001.
gnomAD v4.1: 2 of 1,614,012 alleles (0.00012%); highest among the groups gnomAD compares: African/African-American, 0.0013%; no homozygotes.

Submissions (10):

Ambry Genetics
Classification: Uncertain significance for Cystic fibrosis. Last evaluated: 2026-04-07. Review status: criteria provided, single submitter. Criteria: Ambry Variant Classification Scheme 2023. Collection method: clinical testing. Allele origin: germline.
Comment: The p.R933G variant (also known as c.2797A>G), located in coding exon 17 of the CFTR gene, results from an A to G substitution at nucleotide position 2797. The arginine at codon 933 is replaced by glycine, an amino acid with dissimilar properties. This variant has been identified in conjunction with another CFTR variant in an individual with features consistent with cystic fibrosis or CFTR-related disorders; the variants were identified in trans (Munck A et al. Pediatr Pulmonol, 2020 Apr;55:918-928). This amino acid position is highly conserved in available vertebrate species. In addition, this alteration is predicted to be deleterious by in silico analysis. Based on the available evidence, the clinical significance of this variant remains unclear.

Natera, Inc.
Classification: Likely pathogenic for CFTR-related disorders. Last evaluated: 2026-01-08. Review status: criteria provided, single submitter. Criteria: Natera Variant Classification Schema (03/2026). Collection method: clinical testing. Allele origin: germline.
Comment: The c.2797A>G variant in CFTR is a missense variant predicted to cause substitution of arginine to glycine at amino acid 933. This variant is rare in the general population with a frequency below the threshold expected for the associated phenotype(s). This variant has been observed in one or more individuals affected with the associated recessive disease, as either homozygous or compound heterozygous with a second variant (PMID: 31916691, 20448091, 20522854). Computational prediction algorithms indicate this variant is likely to affect gene or protein function. Given the available evidence, this variant is classified as Likely Pathogenic.

Women's Health and Genetics/Laboratory Corporation of America, LabCorp
Classification: Likely pathogenic for Cystic fibrosis. Last evaluated: 2024-12-26. Review status: criteria provided, single submitter. Criteria: LabCorp Variant Classification Summary - May 2015. Collection method: clinical testing. Allele origin: germline.
Comment: Variant summary: CFTR c.2797A>G (p.Arg933Gly) results in a non-conservative amino acid change located in the transmembrane domain (IPR011527) of the encoded protein sequence. Four of four in-silico tools predict a damaging effect of the variant on protein function. The variant was absent in 251410 control chromosomes. c.2797A>G has been reported in the literature in the compound heterozygous and heterozygous states in individuals affected with CFTR-Related Diseases (Nick_2010, Sermet-Gaudelus_2010, Munck_2020, Fang_2022, Wang_2024). These data indicate that the variant may be associated with disease. At least one publication reports experimental evidence evaluating an impact on protein function. The most pronounced variant effect resulted in approximately 14% of normal chloride channel conductance relative to wild type (e.g., Bihler_2024). The following publications have been ascertained in the context of this evaluation (PMID: 18687795, 38388235, 20059485, 36437957, 33922413, 22573477, 31916691, 20448091, 25735457, 34583889, 31674704, 20522854, 38114870, 26277102). ClinVar contains an entry for this variant (Variation ID: 53569). Based on the evidence outlined above, the variant was classified as likely pathogenic.

Labcorp Genetics (formerly Invitae), Labcorp
Classification: Likely pathogenic for Cystic fibrosis. Last evaluated: 2024-12-10. Review status: criteria provided, single submitter. Criteria: Invitae Variant Classification Sherloc (09022015). Collection method: clinical testing. Allele origin: germline.
Comment: This sequence change replaces arginine, which is basic and polar, with glycine, which is neutral and non-polar, at codon 933 of the CFTR protein (p.Arg933Gly). This variant is not present in population databases (gnomAD no frequency). This missense change has been observed in individual(s) with clinical features of CFTR-related conditions (PMID: 20448091, 20522854, 26277102; internal data). In at least one individual the data is consistent with being in trans (on the opposite chromosome) from a pathogenic variant. ClinVar contains an entry for this variant (Variation ID: 53569). Invitae Evidence Modeling of protein sequence and biophysical properties (such as structural, functional, and spatial information, amino acid conservation, physicochemical variation, residue mobility, and thermodynamic stability) indicates that this missense variant is expected to disrupt CFTR protein function with a positive predictive value of 80%. This variant disrupts the p.Arg933 amino acid residue in CFTR. Other variant(s) that disrupt this residue have been observed in individuals with CFTR-related conditions (PMID: 9272157, 20448091; internal data), which suggests that this may be a clinically significant amino acid residue. In summary, the currently available evidence indicates that the variant is pathogenic, but additional data are needed to prove that conclusively. Therefore, this variant has been classified as Likely Pathogenic.

Johns Hopkins Genomics, Johns Hopkins University
Classification: Likely pathogenic for Cystic fibrosis. Last evaluated: 2023-03-10. Review status: criteria provided, single submitter. Criteria: ACMG Guidelines, 2015. Collection method: clinical testing. Allele origin: germline.
Comment: CFTR variant associated with varying clinical consequence. See CFTR2 for phenotype information.

Genome-Nilou Lab
Classification: Uncertain significance for Cystic fibrosis. Last evaluated: 2021-07-22. Review status: criteria provided, single submitter. Criteria: ACMG Guidelines, 2015. Collection method: clinical testing. Allele origin: germline. Affected: no.

Genome-Nilou Lab
Classification: Likely pathogenic for Congenital bilateral aplasia of vas deferens from CFTR mutation. Last evaluated: 2021-07-22. Review status: criteria provided, single submitter. Criteria: ACMG Guidelines, 2015. Collection method: clinical testing. Allele origin: germline. Affected: no.

CFTR-France
Classification: Pathogenic for CFTR-related disorders. Last evaluated: 2018-01-29. Review status: criteria provided, single submitter. Criteria: Claustres M et al. (Hum Mutat 2017). Collection method: curation. Allele origin: germline. Affected: yes.

Eurofins Ntd Llc (ga)
Classification: Uncertain significance. Last evaluated: 2017-06-08. Review status: criteria provided, single submitter. Criteria: EGL Classification Definitions 2015. Collection method: clinical testing. Allele origin: germline. Observed: 1 variant allele, 1 heterozygote.

ClinVar Staff, National Center for Biotechnology Information (NCBI)
No classification provided. Condition: CFTR-related disorders. Review status: no classification provided. Collection method: literature only. Allele origin: germline. Affected: yes. Not counted in ClinVar's aggregate classification.

Literature cited by the submitters: PubMed 20059485 (cited by 3 submitters); PubMed 20522854 (cited by 4 submitters); PubMed 31916691 (cited by 3 submitters); PubMed 20448091 (cited by 3 submitters); PubMed 18687795 (cited by Women's Health and Genetics/Laboratory Corporation of America, LabCorp); PubMed 25735457 (cited by Women's Health and Genetics/Laboratory Corporation of America, LabCorp); PubMed 26277102 (cited by Women's Health and Genetics/Laboratory Corporation of America, LabCorp and Labcorp Genetics (formerly Invitae), Labcorp); PubMed 31674704 (cited by Women's Health and Genetics/Laboratory Corporation of America, LabCorp); PubMed 33922413 (cited by Women's Health and Genetics/Laboratory Corporation of America, LabCorp); PubMed 22573477 (cited by Women's Health and Genetics/Laboratory Corporation of America, LabCorp); PubMed 34583889 (cited by Women's Health and Genetics/Laboratory Corporation of America, LabCorp); PubMed 36437957 (cited by Women's Health and Genetics/Laboratory Corporation of America, LabCorp); PubMed 38388235 (cited by Women's Health and Genetics/Laboratory Corporation of America, LabCorp); PubMed 38114870 (cited by Women's Health and Genetics/Laboratory Corporation of America, LabCorp); PubMed 9272157 (cited by Labcorp Genetics (formerly Invitae), Labcorp).